The following is an entry in ClinVar:

NM_014244.5(ADAMTS2):c.1945C>T (p.Arg649Trp)

Gene: ADAMTS2 (ADAM metallopeptidase with thrombospondin type 1 motif 2; minus strand). Cytogenetic location: 5q35.3.
Variant type: single nucleotide variant.
Coding change: c.1945C>T on transcript NM_014244.5 (MANE Select); coding-DNA position 1945, C replaced by T.
Protein change: p.Arg649Trp; replaces arginine 649 with tryptophan.
Molecular consequence: missense variant.
Genome position (GRCh38, 1-based): chr5:179,137,775, G>A on the plus strand (C>T on the coding strand, the complement: ADAMTS2 is on the minus strand). VCF-style: chr5-179137775-G-A. GRCh37 (hg19) VCF-style: chr5-178564776-G-A.
Other names: short protein forms R649W.
Identifiers: ClinVar variation 2037020 (VCV002037020.2), dbSNP rs1429183298, ClinGen allele CA362426331.

ClinVar aggregate classification (germline): Uncertain significance. Review status: criteria provided, multiple submitters, no conflicts (2 of 4 stars). 2 submissions from 2 submitters: Uncertain significance (2). Last evaluated 2026-06-29.

Conditions:
Ehlers-Danlos syndrome, dermatosparaxis type. Also called: Dermatosparaxis; Ehlers-Danlos syndrome, type VII, autosomal recessive; EDS VIIC. Identifiers: Orphanet 1901, MedGen C2700425, MONDO:0009161, OMIM 225410.

gnomAD v4.1: 52 of 1,339,290 alleles (0.0039%); highest among the groups gnomAD compares: Middle Eastern, 0.028%; no homozygotes.

Submissions (2):

Women's Health and Genetics/Laboratory Corporation of America, LabCorp
Classification: Uncertain significance. Last evaluated: 2026-06-29. Review status: criteria provided, single submitter. Criteria: LabCorp Variant Classification Summary - May 2015. Collection method: clinical testing. Allele origin: germline.

Labcorp Genetics (formerly Invitae), Labcorp
Classification: Uncertain significance for Ehlers-Danlos syndrome, dermatosparaxis type. Last evaluated: 2022-04-22. Review status: criteria provided, single submitter. Criteria: Invitae Variant Classification Sherloc (09022015). Collection method: clinical testing. Allele origin: germline.
Comment: This sequence change replaces arginine, which is basic and polar, with tryptophan, which is neutral and slightly polar, at codon 649 of the ADAMTS2 protein (p.Arg649Trp). The frequency data for this variant in the population databases is considered unreliable, as metrics indicate poor data quality at this position in the gnomAD database. This variant has not been reported in the literature in individuals affected with ADAMTS2-related conditions. Algorithms developed to predict the effect of missense changes on protein structure and function are either unavailable or do not agree on the potential impact of this missense change (SIFT: "Deleterious"; PolyPhen-2: "Benign"; Align-GVGD: "Class C0"). In summary, the available evidence is currently insufficient to determine the role of this variant in disease. Therefore, it has been classified as a Variant of Uncertain Significance.